The following is an entry in ClinVar:

ClinVar aggregate classification (germline): Uncertain significance (1 of 4 stars; one submission).

Allele frequency attached by ClinVar (database versions not stated): ExAC 0.00001; gnomAD 0.00001; gnomAD exomes 0.00001; TOPMed 0.00001; 1000 Genomes Project 30x 0.00016.
gnomAD v4.1: 13 of 1,613,746 alleles (0.00081%); highest among the groups gnomAD compares: South Asian, 0.0033%; no homozygotes.

Submission:

Labcorp Genetics (formerly Invitae), Labcorp
Classification: Uncertain significance. Last evaluated: 2022-07-10. Review status: criteria provided, single submitter. Criteria: Invitae Variant Classification Sherloc (09022015). Collection method: clinical testing. Allele origin: germline.
Comment: Algorithms developed to predict the effect of sequence changes on RNA splicing suggest that this variant may create or strengthen a splice site. Algorithms developed to predict the effect of missense changes on protein structure and function are either unavailable or do not agree on the potential impact of this missense change (SIFT: "Tolerated"; PolyPhen-2: "Possibly Damaging"; Align-GVGD: "Class C0"). This variant has not been reported in the literature in individuals affected with HSPG2-related conditions. This variant is present in population databases (rs761345009, gnomAD 0.002%). This sequence change replaces asparagine, which is neutral and polar, with serine, which is neutral and polar, at codon 2547 of the HSPG2 protein (p.Asn2547Ser). In summary, the available evidence is currently insufficient to determine the role of this variant in disease. Therefore, it has been classified as a Variant of Uncertain Significance.

NM_005529.7(HSPG2):c.7640A>G (p.Asn2547Ser)

Gene: HSPG2 (heparan sulfate proteoglycan 2; minus strand). Cytogenetic location: 1p36.12.
Variant type: single nucleotide variant.
Coding change: c.7640A>G on transcript NM_005529.7 (MANE Select); coding-DNA position 7640, A replaced by G.
Protein change: p.Asn2547Ser; replaces asparagine 2547 with serine.
Molecular consequence: missense variant.
Genome position (GRCh38, 1-based): chr1:21,848,740, T>C on the plus strand (A>G on the coding strand, the complement: HSPG2 is on the minus strand). VCF-style: chr1-21848740-T-C. GRCh37 (hg19) VCF-style: chr1-22175233-T-C.
Other names: c.7643A>G, p.Asn2548Ser (NM_001291860.2); short protein forms N2547S, N2548S.
Identifiers: ClinVar variation 2420289 (VCV002420289.4), dbSNP rs761345009, ClinGen allele CA671105.
Genomic context (GRCh38, chr1:21,848,740, plus strand): 5'-CAGGTGATGGTGTGGGGAGCCTGGCTGGCAACCAGGCAGTTGAGGTCCAGGGTGTGTCCA[T>C]TGGCCAGGGAGGCTGAGGAGGACTCGATGCGGACGGGGTACGCCACACCCTGGGCTGGGA-3'
Protein context (NP_005520.4, residues 2537-2557): RIESSSASLA[Asn2547Ser]GHTLDLNCLV